The following is an entry in ClinVar:

NM_001349253.2(SCN11A):c.3781G>A (p.Asp1261Asn)

Gene: SCN11A (sodium voltage-gated channel alpha subunit 11; minus strand). Cytogenetic location: 3p22.2.
Variant type: single nucleotide variant.
Coding change: c.3781G>A on transcript NM_001349253.2 (MANE Select); coding-DNA position 3781, G replaced by A.
Protein change: p.Asp1261Asn; replaces aspartic acid 1261 with asparagine.
Molecular consequence: missense variant.
Genome position (GRCh38, 1-based): chr3:38,870,723, C>T on the plus strand (G>A on the coding strand, the complement: SCN11A is on the minus strand). VCF-style: chr3-38870723-C-T. GRCh37 (hg19) VCF-style: chr3-38912214-C-T.
Other names: c.3781G>A, p.Asp1261Asn (NM_014139.3); short protein forms D1261N.
Identifiers: ClinVar variation 2938813 (VCV002938813.3), dbSNP rs1404782403, ClinGen allele CA352169643.

ClinVar aggregate classification (germline): Uncertain significance (1 of 4 stars; one submission).

Conditions:
Hereditary sensory and autonomic neuropathy type 7. Also called: HSAN VII; Neuropathy, hereditary sensory and autonomic, type VII. Identifiers: Orphanet 391397, MedGen C3809882, MONDO:0014244, OMIM 615548.
Familial episodic pain syndrome with predominantly lower limb involvement. Also called: Episodic pain syndrome, familial, 3. Identifiers: Orphanet 391384, Orphanet 391392, MedGen C3809899, MONDO:0014247, OMIM 615552.

gnomAD v4.1: 1 of 1,613,590 alleles (0.000062%); highest among the groups gnomAD compares: Admixed American, 0.0017%; no homozygotes.

Submission:

Labcorp Genetics (formerly Invitae), Labcorp
Classification: Uncertain significance for Familial episodic pain syndrome with predominantly lower limb involvement; Hereditary sensory and autonomic neuropathy type 7. Last evaluated: 2023-04-03. Review status: criteria provided, single submitter. Criteria: Invitae Variant Classification Sherloc (09022015). Collection method: clinical testing. Allele origin: germline.
Comment: This variant is present in population databases (no rsID available, gnomAD 0.003%). This variant has not been reported in the literature in individuals affected with SCN11A-related conditions. Advanced modeling of protein sequence and biophysical properties (such as structural, functional, and spatial information, amino acid conservation, physicochemical variation, residue mobility, and thermodynamic stability) performed at Invitae indicates that this missense variant is not expected to disrupt SCN11A protein function. In summary, the available evidence is currently insufficient to determine the role of this variant in disease. Therefore, it has been classified as a Variant of Uncertain Significance. This sequence change replaces aspartic acid, which is acidic and polar, with asparagine, which is neutral and polar, at codon 1261 of the SCN11A protein (p.Asp1261Asn).